The following is an entry in ClinVar:

ClinVar aggregate classification (germline): Uncertain significance (1 of 4 stars; one submission).

gnomAD v4.1: 3 of 1,614,018 alleles (0.00019%); highest among the groups gnomAD compares: African/African-American, 0.0027%; no homozygotes.

Submission:

Labcorp Genetics (formerly Invitae), Labcorp
Classification: Uncertain significance. Last evaluated: 2025-04-27. Review status: criteria provided, single submitter. Criteria: Invitae Variant Classification Sherloc (09022015). Collection method: clinical testing. Allele origin: germline.
Comment: This sequence change replaces proline, which is neutral and non-polar, with serine, which is neutral and polar, at codon 473 of the GRIN2D protein (p.Pro473Ser). This variant is present in population databases (no rsID available, gnomAD 0.003%). This variant has not been reported in the literature in individuals affected with GRIN2D-related conditions. Invitae Evidence Modeling of protein sequence and biophysical properties (such as structural, functional, and spatial information, amino acid conservation, physicochemical variation, residue mobility, and thermodynamic stability) indicates that this missense variant is not expected to disrupt GRIN2D protein function with a negative predictive value of 80%. In summary, the available evidence is currently insufficient to determine the role of this variant in disease. Therefore, it has been classified as a Variant of Uncertain Significance.

NM_000836.4(GRIN2D):c.1417C>T (p.Pro473Ser)

Gene: GRIN2D (glutamate ionotropic receptor NMDA type subunit 2D; plus strand). Cytogenetic location: 19q13.33.
Variant type: single nucleotide variant.
Coding change: c.1417C>T on transcript NM_000836.4 (MANE Select); coding-DNA position 1417, C replaced by T.
Protein change: p.Pro473Ser; replaces proline 473 with serine.
Molecular consequence: missense variant.
Genome position (GRCh38, 1-based): chr19:48,414,868, C>T. VCF-style: chr19-48414868-C-T. GRCh37 (hg19) VCF-style: chr19-48918125-C-T.
Other names: short protein forms P473S.
Identifiers: ClinVar variation 4751562 (VCV004751562.1).
Genomic context (GRCh38, chr19:48,414,868, plus strand): 5'-TGAGAGAGTCTAAGGAGGGGGTCCCCAAACTCCCCAAGCCTGGTCACTGCCCGCAGCCCT[C>T]CACCGGATGCCCCCCGCCCGGAAAAGCGCTGCTGCAAGGGTTTCTGCATCGACATTCTGA-3'
Protein context (NP_000827.2, residues 463-483): RSQLNRTHSP[Pro473Ser]PDAPRPEKRC